The following is an entry in ClinVar:

ClinVar aggregate classification (germline): Benign/Likely benign. Review status: criteria provided, multiple submitters, no conflicts (2 of 4 stars). 4 submissions from 4 submitters: Benign (1); Likely benign (3). Last evaluated 2025-10-23.

Conditions:
Hereditary cancer-predisposing syndrome. Also called: Neoplastic Syndromes, Hereditary; Tumor predisposition; Hereditary Cancer Syndrome; Hereditary neoplastic syndrome. Identifiers: Orphanet 140162, MedGen C0027672, MeSH D009386, MONDO:0015356.
Multiple endocrine neoplasia, type 1 (MEN1). Also called: MEN I; WERMER SYNDROME; Endocrine adenomatosis multiple; MEN 1; MEA I. Identifiers: Orphanet 652, MedGen C0025267, MeSH D018761, MONDO:0007540, OMIM 131100.

Allele frequency attached by ClinVar (database versions not stated): gnomAD exomes 0.00001.
gnomAD v4.1: 7 of 1,610,178 alleles (0.00043%); highest among the groups gnomAD compares: Non-Finnish European, 0.00059%; no homozygotes.

Submissions (4):

Labcorp Genetics (formerly Invitae), Labcorp
Classification: Likely benign for Multiple endocrine neoplasia, type 1. Last evaluated: 2025-10-23. Review status: criteria provided, single submitter. Criteria: Invitae Variant Classification Sherloc (09022015). Collection method: clinical testing. Allele origin: germline.

CeGaT Center for Human Genetics Tuebingen
Classification: Likely benign. Last evaluated: 2025-08-01. Review status: criteria provided, single submitter. Criteria: CeGaT Center For Human Genetics Tuebingen Variant Classification Criteria Version 2. Collection method: clinical testing. Allele origin: germline. Affected: yes. Observed: 1 variant allele.
Comment: MEN1: BP4, BP7

Myriad Genetics, Inc.
Classification: Benign for Multiple endocrine neoplasia, type 1. Last evaluated: 2024-10-31. Review status: criteria provided, single submitter. Criteria: Myriad Autosomal Dominant, Autosomal Recessive and X-Linked Classification Criteria (2023). Collection method: clinical testing. Allele origin: unknown.
Comment: This variant is considered benign. This variant is a silent/synonymous amino acid change and it is not expected to impact splicing.

Ambry Genetics
Classification: Likely benign for Hereditary cancer-predisposing syndrome. Last evaluated: 2023-11-16. Review status: criteria provided, single submitter. Criteria: Ambry Variant Classification Scheme 2023. Collection method: clinical testing. Allele origin: germline.

NM_001370259.2(MEN1):c.252T>C (p.Ser84=)

Gene: MEN1 (menin 1; minus strand). Cytogenetic location: 11q13.1.
Variant type: single nucleotide variant.
Coding change: c.252T>C on transcript NM_001370259.2 (MANE Select); coding-DNA position 252, T replaced by C.
Protein change: p.Ser84=; no amino-acid change (serine 84 retained).
Molecular consequence: synonymous variant.
Genome position (GRCh38, 1-based): chr11:64,809,858, A>G on the plus strand (T>C on the coding strand, the complement: MEN1 is on the minus strand). VCF-style: chr11-64809858-A-G. GRCh37 (hg19) VCF-style: chr11-64577330-A-G.
Other names: c.252T>C, p.Ser84= (NM_000244.4, NM_001370251.2, NM_001370260.2 and 9 more transcripts).
Identifiers: ClinVar variation 710536 (VCV000710536.19), dbSNP rs1592658989, ClinGen allele CA475163739.